The following is an entry in ClinVar:

NM_001271938.2(MEGF8):c.6039G>A (p.Thr2013=)

Gene: MEGF8 (multiple EGF like domains 8; plus strand). Cytogenetic location: 19q13.2.
Variant type: single nucleotide variant.
Coding change: c.6039G>A on transcript NM_001271938.2 (MANE Select); coding-DNA position 6039, G replaced by A.
Protein change: p.Thr2013=; no amino-acid change (threonine 2013 retained).
Molecular consequence: synonymous variant.
Genome position (GRCh38, 1-based): chr19:42,362,578, G>A. VCF-style: chr19-42362578-G-A. GRCh37 (hg19) VCF-style: chr19-42866730-G-A.
Other names: c.5838G>A, p.Thr1946= (NM_001410.3).
Identifiers: ClinVar variation 1973098 (VCV001973098.11), dbSNP rs767265802, ClinGen allele CA9475751.

ClinVar aggregate classification (germline): Likely benign. Review status: criteria provided, multiple submitters, no conflicts (2 of 4 stars). 2 submissions from 2 submitters: Likely benign (2). Last evaluated 2026-01-15.

Conditions:
MEGF8-related Carpenter syndrome. Also called: Carpenter syndrome 2. Identifiers: Orphanet 65759, MedGen C3554247, MONDO:0013998, OMIM 614976.

Allele frequency attached by ClinVar (database versions not stated): gnomAD 0.00005; TOPMed 0.00005; ExAC 0.00007.

Submissions (2):

Labcorp Genetics (formerly Invitae), Labcorp
Classification: Likely benign for MEGF8-related Carpenter syndrome. Last evaluated: 2026-01-15. Review status: criteria provided, single submitter. Criteria: Invitae Variant Classification Sherloc (09022015). Collection method: clinical testing. Allele origin: germline.

CeGaT Center for Human Genetics Tuebingen
Classification: Likely benign. Last evaluated: 2025-10-01. Review status: criteria provided, single submitter. Criteria: CeGaT Center For Human Genetics Tuebingen Variant Classification Criteria Version 2. Collection method: clinical testing. Allele origin: germline. Affected: yes. Observed: 1 variant allele.
Comment: MEGF8: BP4, BP7